The following is an entry in ClinVar:

NM_022166.4(XYLT1):c.1601C>T (p.Thr534Met)

Genes: XYLT1 (xylosyltransferase 1; minus strand), LOC102723692 (uncharacterized LOC102723692; plus strand). Cytogenetic location: 16p12.3.
Variant type: single nucleotide variant.
Coding change: c.1601C>T on transcript NM_022166.4 (MANE Select); coding-DNA position 1601, C replaced by T.
Protein change: p.Thr534Met; replaces threonine 534 with methionine.
Molecular consequence: missense variant. On other transcripts: non-coding transcript variant (1).
Genome position (GRCh38, 1-based): chr16:17,138,518, G>A on the plus strand (C>T on the coding strand, the complement: XYLT1 is on the minus strand). VCF-style: chr16-17138518-G-A. GRCh37 (hg19) VCF-style: chr16-17232375-G-A.
Other names: short protein forms T534M.
Identifiers: ClinVar variation 2144637 (VCV002144637.1), dbSNP rs199714091, ClinGen allele CA7927841.

ClinVar aggregate classification (germline): Uncertain significance (1 of 4 stars; one submission).

Conditions:
Desbuquois dysplasia 1 (DBQD1). Also called: DESBUQUOIS DYSPLASIA 1, KIM VARIANT; MICROMELIC DWARFISM WITH VERTEBRAL AND METAPHYSEAL ABNORMALITIES AND ADVANCED CARPOTARSAL OSSIFICATION. Identifiers: Orphanet 1425, MedGen C4012146, MONDO:0009629, OMIM 251450.

Allele frequency attached by ClinVar (database versions not stated): gnomAD 0.00002; ExAC 0.00005; TOPMed 0.00005; gnomAD exomes 0.00006; 1000 Genomes Project 0.00020.
gnomAD v4.1: 87 of 1,614,026 alleles (0.0054%); highest among the groups gnomAD compares: Middle Eastern, 0.017%; no homozygotes.

Submission:

Labcorp Genetics (formerly Invitae), Labcorp
Classification: Uncertain significance for Desbuquois dysplasia 1. Last evaluated: 2022-06-11. Review status: criteria provided, single submitter. Criteria: Invitae Variant Classification Sherloc (09022015). Collection method: clinical testing. Allele origin: germline.
Comment: This sequence change replaces threonine, which is neutral and polar, with methionine, which is neutral and non-polar, at codon 534 of the XYLT1 protein (p.Thr534Met). This variant is present in population databases (rs199714091, gnomAD 0.02%). This variant has not been reported in the literature in individuals affected with XYLT1-related conditions. Algorithms developed to predict the effect of missense changes on protein structure and function (SIFT, PolyPhen-2, Align-GVGD) all suggest that this variant is likely to be disruptive. In summary, the available evidence is currently insufficient to determine the role of this variant in disease. Therefore, it has been classified as a Variant of Uncertain Significance.